The following is an entry in ClinVar:

NM_015100.4(POGZ):c.1909C>T (p.His637Tyr)

Gene: POGZ (pogo transposable element derived with ZNF domain; minus strand). Cytogenetic location: 1q21.3.
Variant type: single nucleotide variant.
Coding change: c.1909C>T on transcript NM_015100.4 (MANE Select); coding-DNA position 1909, C replaced by T.
Protein change: p.His637Tyr; replaces histidine 637 with tyrosine.
Molecular consequence: missense variant.
Genome position (GRCh38, 1-based): chr1:151,411,642, G>A on the plus strand (C>T on the coding strand, the complement: POGZ is on the minus strand). VCF-style: chr1-151411642-G-A. GRCh37 (hg19) VCF-style: chr1-151384118-G-A.
Other names: c.1882C>T, p.His628Tyr (NM_001194937.2); c.1723C>T, p.His575Tyr (NM_001194938.2); c.1624C>T, p.His542Tyr (NM_145796.4); c.1750C>T, p.His584Tyr (NM_207171.2); short protein forms H542Y, H575Y, H584Y, H628Y, H637Y.
Identifiers: ClinVar variation 987811 (VCV000987811.1), dbSNP rs1654692123, ClinGen allele CA341962478.

ClinVar aggregate classification (germline): Uncertain significance (1 of 4 stars; one submission).

Submission:

Women's Health and Genetics/Laboratory Corporation of America, LabCorp
Classification: Uncertain significance. Last evaluated: 2020-11-04. Review status: criteria provided, single submitter. Criteria: LabCorp Variant Classification Summary - May 2015. Collection method: clinical testing. Allele origin: germline.
Comment: Variant summary: POGZ c.1909C>T (p.His637Tyr) results in a conservative amino acid change located in the Zinc finger C2H2-type domain (IPR013087) of the encoded protein sequence. Four of five in-silico tools predict a damaging effect of the variant on protein function. The variant was absent in 248828 control chromosomes. The available data on variant occurrences in the general population are insufficient to allow any conclusion about variant significance. To our knowledge, no occurrence of c.1909C>T in individuals affected with White-Sutton Syndrome and no experimental evidence demonstrating its impact on protein function have been reported. No clinical diagnostic laboratories have submitted clinical-significance assessments for this variant to ClinVar after 2014. Based on the evidence outlined above, the variant was classified as uncertain significance.